The following is an entry in ClinVar:

NM_018192.4(P3H2):c.1807C>A (p.Arg603=)

Gene: P3H2 (prolyl 3-hydroxylase 2; minus strand). Cytogenetic location: 3q28.
Variant type: single nucleotide variant.
Coding change: c.1807C>A on transcript NM_018192.4 (MANE Select); coding-DNA position 1807, C replaced by A.
Protein change: p.Arg603=; no amino-acid change (arginine 603 retained).
Molecular consequence: synonymous variant.
Genome position (GRCh38, 1-based): chr3:189,971,900, G>T on the plus strand (C>A on the coding strand, the complement: P3H2 is on the minus strand). VCF-style: chr3-189971900-G-T. GRCh37 (hg19) VCF-style: chr3-189689689-G-T.
Other names: c.1264C>A, p.Arg422= (NM_001134418.2).
Identifiers: ClinVar variation 790980 (VCV000790980.12), dbSNP rs35067805, ClinGen allele CA2752778.
Genomic context (GRCh38, chr3:189,971,900, plus strand): 5'-TTGAAAACTGTTAGGTAAAAGCTTTGTTTTGAAGCAGGTTCTAGCTATACCTATAGTCTC[G>T]AAATGTGTAAGCAGGAGGCTCCTTCCAGCATTCGTTGGCCTCTGGATCCAACAAACAGTT-3'
Protein context (NP_060662.2, residues 593-613): CWKEPPAYTF[Arg603=]DYSALLYMND

ClinVar aggregate classification (germline): Benign/Likely benign. Review status: criteria provided, multiple submitters, no conflicts (2 of 4 stars). 4 submissions from 4 submitters: Benign (2); Likely benign (2). Last evaluated 2026-08-01.

Allele frequency attached by ClinVar (database versions not stated): 1000 Genomes Project 0.00160; 1000 Genomes Project 30x 0.00172; TOPMed 0.00421; ESP Exome Variant Server 0.00438.
gnomAD v4.1: 6,958 of 1,599,650 alleles (0.43%); highest among the groups gnomAD compares: Middle Eastern, 1.4%; 26 homozygotes.

Submissions (4):

CeGaT Center for Human Genetics Tuebingen
Classification: Likely benign. Last evaluated: 2026-08-01. Review status: criteria provided, single submitter. Criteria: CeGaT Center For Human Genetics Tuebingen Variant Classification Criteria Version 2. Collection method: clinical testing. Allele origin: germline. Affected: yes. Observed: 1 variant allele.
Comment: P3H2: BP4, BS2

Labcorp Genetics (formerly Invitae), Labcorp
Classification: Benign. Last evaluated: 2026-01-21. Review status: criteria provided, single submitter. Criteria: Invitae Variant Classification Sherloc (09022015). Collection method: clinical testing. Allele origin: germline.

Blueprint Genetics
Classification: Likely benign. Last evaluated: 2024-11-25. Review status: criteria provided, single submitter. Criteria: ACMG Guidelines, 2015. Collection method: clinical testing. Allele origin: germline.

Breakthrough Genomics
Classification: Benign. Review status: criteria provided, single submitter. Criteria: ACMG Guidelines, 2015. Collection method: not provided. Allele origin: germline. Inheritance: Autosomal recessive inheritance. Affected: yes.